The following is an entry in ClinVar:

ClinVar aggregate classification (germline): Benign/Likely benign. Review status: criteria provided, multiple submitters, no conflicts (2 of 4 stars). 2 submissions from 2 submitters: Benign (1); Likely benign (1). Last evaluated 2026-01-25.

Conditions:
RASopathy. Also called: rasopathies; Noonan spectrum disorder. Identifiers: Orphanet 536391, MedGen C5555857, MONDO:0021060.

Submissions (2):

Labcorp Genetics (formerly Invitae), Labcorp
Classification: Benign for RASopathy. Last evaluated: 2026-01-25. Review status: criteria provided, single submitter. Criteria: Invitae Variant Classification Sherloc (09022015). Collection method: clinical testing. Allele origin: germline.

GeneDx
Classification: Likely benign. Last evaluated: 2023-11-30. Review status: criteria provided, single submitter. Criteria: GeneDx Variant Classification Process June 2021. Collection method: clinical testing. Allele origin: germline. Affected: yes.
Comment: See Variant Classification Assertion Criteria.

NM_007373.4(SHOC2):c.973-5dup

Gene: SHOC2 (SHOC2 leucine rich repeat scaffold protein; plus strand). Cytogenetic location: 10q25.2.
Variant type: Duplication.
Coding change: c.973-5dup on transcript NM_007373.4 (MANE Select); 5 bases into the intron before coding-DNA position 973, one base duplicated (T; older notation c.973-5dupT).
Molecular consequence: intron variant.
Genome position (GRCh38, 1-based): chr10:111,004,601, T duplicated; the last of 8 consecutive T bases (chr10:111,004,594-111,004,601); duplicating any one gives the same sequence. VCF-style (leftmost placement, unchanged base first): chr10-111004593-A-AT. GRCh37 (hg19) VCF-style: chr10-112764351-A-AT.
Other names: c.973-5dup (NM_001324336.2, NM_001324337.2); c.835-5dup (NM_001269039.3).
Identifiers: ClinVar variation 1219548 (VCV001219548.9), dbSNP rs730881016, ClinGen allele CA5689702.